The following is an entry in ClinVar:

NM_000059.4(BRCA2):c.6454T>C (p.Ser2152Pro)

Gene: BRCA2 (BRCA2 DNA repair associated; plus strand). Cytogenetic location: 13q13.1.
Variant type: single nucleotide variant.
Coding change: c.6454T>C on transcript NM_000059.4 (MANE Select); coding-DNA position 6454, T replaced by C.
Protein change: p.Ser2152Pro; replaces serine 2152 with proline.
Molecular consequence: missense variant.
Genome position (GRCh38, 1-based): chr13:32,340,809, T>C. VCF-style: chr13-32340809-T-C. GRCh37 (hg19) VCF-style: chr13-32914946-T-C.
Other names: short protein forms S2152P.
Identifiers: ClinVar variation 1462067 (VCV001462067.9), dbSNP rs1555284705, ClinGen allele CA387789337.

ClinVar aggregate classification (germline): Conflicting classifications of pathogenicity. Review status: criteria provided, conflicting classifications (1 of 4 stars). 2 submissions from 2 submitters: Uncertain significance (1); Likely benign (1). Last evaluated 2023-03-23.

Conditions:
Hereditary cancer-predisposing syndrome. Also called: Tumor predisposition; Hereditary neoplastic syndrome; Hereditary Cancer Syndrome; Neoplastic Syndromes, Hereditary. Identifiers: Orphanet 140162, MedGen C0027672, MeSH D009386, MONDO:0015356.
Hereditary breast ovarian cancer syndrome. Also called: Hereditary breast and ovarian cancer; Breast and ovarian cancer; BRCA1- and BRCA2-Associated Hereditary Breast and Ovarian Cancer; Hereditary breast and/or ovarian cancer syndrome; Hereditary breast and ovarian cancer syndrome; Hereditary breast and ovarian cancer syndrome (HBOC). Identifiers: Orphanet 145, MedGen C0677776, MeSH D061325, MONDO:0003582. Disease mechanism: loss of function.

Submissions (2):

University of Washington Department of Laboratory Medicine, University of Washington
Classification: Likely benign for Hereditary cancer-predisposing syndrome. Last evaluated: 2023-03-23. Review status: criteria provided, single submitter. Criteria: Dines et al. (Genet Med. 2020). Collection method: curation. Allele origin: germline.
Comment: Missense variant in a coldspot region where missense variants are very unlikely to be pathogenic (PMID:31911673).

BRCA2 exon 11 coldspot. Reclassification based on statistical prior probability.

Labcorp Genetics (formerly Invitae), Labcorp
Classification: Uncertain significance for Hereditary breast ovarian cancer syndrome. Last evaluated: 2020-11-25. Review status: criteria provided, single submitter. Criteria: Invitae Variant Classification Sherloc (09022015). Collection method: clinical testing. Allele origin: germline.
Comment: In summary, the available evidence is currently insufficient to determine the role of this variant in disease. Therefore, it has been classified as a Variant of Uncertain Significance. Advanced modeling of protein sequence and biophysical properties (such as structural, functional, and spatial information, amino acid conservation, physicochemical variation, residue mobility, and thermodynamic stability) performed at Invitae indicates that this missense variant is not expected to disrupt BRCA2 protein function. This variant has not been reported in the literature in individuals with BRCA2-related conditions. This variant is not present in population databases (ExAC no frequency). This sequence change replaces serine with proline at codon 2152 of the BRCA2 protein (p.Ser2152Pro). The serine residue is moderately conserved and there is a moderate physicochemical difference between serine and proline.